The following is an entry in ClinVar:

ClinVar aggregate classification (germline): Uncertain significance. Review status: criteria provided, multiple submitters, no conflicts (2 of 4 stars). 2 submissions from 2 submitters: Uncertain significance (2). Last evaluated 2022-07-12.

Conditions:
Hereditary cancer-predisposing syndrome. Also called: Hereditary Cancer Syndrome; Hereditary neoplastic syndrome; Neoplastic Syndromes, Hereditary; Tumor predisposition. Identifiers: Orphanet 140162, MedGen C0027672, MeSH D009386, MONDO:0015356.
POLD1-related polyposis and colorectal cancer syndrome (CRCS10). Also called: Colorectal cancer, susceptibility to, 10; Colorectal cancer 10; COLORECTAL CANCER, SUSCEPTIBILITY TO, ON CHROMOSOME 19q. Identifiers: Orphanet 220460, MedGen C2675481, MONDO:0012953, OMIM 612591.

Submissions (2):

Labcorp Genetics (formerly Invitae), Labcorp
Classification: Uncertain significance for POLD1-related polyposis and colorectal cancer syndrome. Last evaluated: 2022-07-12. Review status: criteria provided, single submitter. Criteria: Invitae Variant Classification Sherloc (09022015). Collection method: clinical testing. Allele origin: germline.
Comment: This variant is not present in population databases (gnomAD no frequency). This variant has not been reported in the literature in individuals affected with POLD1-related conditions. ClinVar contains an entry for this variant (Variation ID: 819491). In summary, the available evidence is currently insufficient to determine the role of this variant in disease. Therefore, it has been classified as a Variant of Uncertain Significance. This sequence change creates a premature translational stop signal (p.Cys512*) in the POLD1 gene. Missense variants that disrupt the 3'-5' exonuclease (proof-reading) activity of the POLD1 protein are associated with an increased risk for colonic adenomatous polyps and colon cancer (PMID: 23263490, 23447401). However, loss-of-function variants that result in an absent or severely disrupted POLD1 protein, and missense variants outside the exonuclease domain, are unlikely to be associated with polyposis or colon cancer.

Ambry Genetics
Classification: Uncertain significance for Hereditary cancer-predisposing syndrome. Last evaluated: 2019-09-20. Review status: criteria provided, single submitter. Criteria: Ambry Variant Classification Scheme 2023. Collection method: clinical testing. Allele origin: germline.
Comment: The p.C512* variant (also known as c.1536C>A), located in coding exon 12 of the POLD1 gene, results from a C to A substitution at nucleotide position 1536. This changes the amino acid from a cysteine to a stop codon within coding exon 12. This alteration is expected to result in loss of function by premature protein truncation or nonsense-mediated mRNA decay. However, loss of function of POLD1 has not been clearly established as a mechanism of disease. Since supporting evidence is limited at this time, the clinical significance of this alteration remains unclear.

Literature cited by the submitters: PubMed 23263490 (cited by Labcorp Genetics (formerly Invitae), Labcorp); PubMed 23447401 (cited by Labcorp Genetics (formerly Invitae), Labcorp).

NM_002691.4(POLD1):c.1536C>A (p.Cys512Ter)

Gene: POLD1 (DNA polymerase delta 1, catalytic subunit; plus strand). Cytogenetic location: 19q13.33.
Variant type: single nucleotide variant.
Coding change: c.1536C>A on transcript NM_002691.4 (MANE Select); coding-DNA position 1536, C replaced by A.
Protein change: p.Cys512Ter; replaces cysteine 512 with a stop codon.
Molecular consequence: nonsense. On other transcripts: non-coding transcript variant (1).
Genome position (GRCh38, 1-based): chr19:50,407,024, C>A. VCF-style: chr19-50407024-C-A. GRCh37 (hg19) VCF-style: chr19-50910281-C-A.
Other names: c.1536C>A, p.Cys512Ter (NM_001256849.1, NM_001308632.1); short protein forms C512*.
Identifiers: ClinVar variation 819491 (VCV000819491.13), dbSNP rs373380580, ClinGen allele CA406980825.